The following is an entry in ClinVar:

NC_000013.11:g.83214607_83217480del

Variant type: Deletion.
Genome position: GRCh38: chr13:83,214,607-83,217,480. GRCh37 (hg19): chr13:83,788,742-83,791,615.
Identifiers: ClinVar variation 157286 (VCV000157286.3), ClinGen allele CA212363.

ClinVar aggregate classification (germline): not provided (0 of 4 stars; one submission).

Conditions:
Preeclampsia. Identifiers: Orphanet 275555, MedGen C0032914, MONDO:0005081, HP:0100602.

Submission:

Institute of Molecular and Cell Biology, University of Tartu
No classification provided. Condition: Preeclampsia. Review status: no classification provided. Collection method: case-control. Allele origin: unknown. Affected: yes. Study: Kasak2014.
Comment: The study aimed to determine the contribution of copy number variants in the genetic etiology of normal and complicated pregnancies. The samples represented (i) maternal blood DNA drawn from healthy pregnant women during 1st or 2nd trimester and (ii) maternal and paternal blood DNA drawn at term pregnancy cases representing normal and complicated gestations (severe preeclampsia, PE; gestational diabetes, GD; small-for-gestational age newborn, SGA; large-for-gestational age newborn, LGA). We performed CNV calling based on genome-wide genotyping dataset (Illumina HumanOmniExpress-24-v1 BeadChip) by applying three algorithms, QuantiSNP, GADA (Genome Alteration Detection Algorithm) and CNstream in parallel. The acquired CNV calls were merged with HD-CNV (Hotspot Detector for Copy Number Variants) program and only the CNVs predicted by at least two programs, were considered in subsequent analysis.

Literature cited by the submitters: PubMed 25666259.